The following is an entry in ClinVar:

ClinVar aggregate classification (germline): Uncertain significance (0 of 4 stars; one submission).

Conditions:
KMT2D-related disorder. Also called: KMT2D-Related Disorders.

Submission:

PreventionGenetics, part of Exact Sciences
Classification: Uncertain significance for KMT2D-related condition. Last evaluated: 2024-07-22. Review status: no assertion criteria provided. Collection method: clinical testing. Allele origin: germline.
Comment: The KMT2D c.15802_15804delATT variant is predicted to result in an in-frame deletion (p.Ile5268del). To our knowledge, this variant has not been reported in the literature or in a large population database, indicating this variant is rare. At this time, the clinical significance of this variant is uncertain due to the absence of conclusive functional and genetic evidence.

NM_003482.4(KMT2D):c.15802_15804del (p.Ile5268del)

Gene: KMT2D (lysine methyltransferase 2D; minus strand). Cytogenetic location: 12q13.12.
Variant type: Deletion.
Coding change: c.15802_15804del on transcript NM_003482.4 (MANE Select); coding-DNA positions 15802 to 15804, 3 bases deleted (ATT; older notation c.15802_15804delATT).
Protein change: p.Ile5268del; deletes isoleucine 5268.
Molecular consequence: inframe deletion.
Genome position (GRCh38, 1-based): chr12:49,024,927-49,024,929, AAT deleted on the plus strand (ATT on the coding strand, the reverse complement: KMT2D is on the minus strand). VCF-style (leftmost placement, unchanged base first): chr12-49024926-CAAT-C. GRCh37 (hg19) VCF-style: chr12-49418709-CAAT-C.
Other names: short protein forms I5268del.
Identifiers: ClinVar variation 3347698 (VCV003347698.1).